The following is an entry in ClinVar:

NM_003002.4(SDHD):c.25G>T (p.Ala9Ser)

Genes: SDHD (succinate dehydrogenase complex subunit D; plus strand), LOC126861339 (BRD4-independent group 4 enhancer GRCh37_chr11:111957035-111958234; plus strand). Cytogenetic location: 11q23.1.
Variant type: single nucleotide variant.
Coding change: c.25G>T on transcript NM_003002.4 (MANE Select); coding-DNA position 25, G replaced by T.
Protein change: p.Ala9Ser; replaces alanine 9 with serine.
Molecular consequence: missense variant. On other transcripts: non-coding transcript variant (1).
Genome position (GRCh38, 1-based): chr11:112,086,932, G>T. VCF-style: chr11-112086932-G-T. GRCh37 (hg19) VCF-style: chr11-111957656-G-T.
Other names: c.25G>T, p.Ala9Ser (NM_001276503.2, NM_001276504.2, NM_001276506.2); c.25G>T (NM_003002.2); short protein forms A9S.
Identifiers: ClinVar variation 643986 (VCV000643986.11), dbSNP rs772671893, ClinGen allele CA070945.
Genomic context (GRCh38, chr11:112,086,932, plus strand): 5'-CGGGTTGGTGGATGACCTTGAGCCCTCAGGAACGAGATGGCGGTTCTCTGGAGGCTGAGT[G>T]CCGTTTGCGGTGCCCTAGGAGGCCGAGGTGAGGGGTCTTCCCACCCTGAGGTGCTTAGCG-3'
Protein context (NP_002993.1, residues 1-19): MAVLWRLS[Ala9Ser]VCGALGGRAL

ClinVar aggregate classification (germline): Uncertain significance. Review status: criteria provided, multiple submitters, no conflicts (2 of 4 stars). 2 submissions from 2 submitters: Uncertain significance (2). Last evaluated 2025-07-31.

Conditions:
Hereditary cancer-predisposing syndrome. Also called: Neoplastic Syndromes, Hereditary; Tumor predisposition; Hereditary neoplastic syndrome; Hereditary Cancer Syndrome. Identifiers: Orphanet 140162, MedGen C0027672, MeSH D009386, MONDO:0015356.
Pheochromocytoma. Also called: MAX-Related Hereditary Paraganglioma-Pheochromocytoma Syndrome. Identifiers: Orphanet 29072, MedGen C0031511, MONDO:0008233, OMIM 171300, HP:0002666.
Carney-Stratakis syndrome. Also called: PARAGANGLIOMA AND GASTROINTESTINAL STROMAL TUMOR. Identifiers: Orphanet 97286, MedGen C1847319, MONDO:0011740, OMIM 606864.
Cowden syndrome 3 (CWS3). Identifiers: Orphanet 201, MedGen CN166604, MONDO:0014045.
Paragangliomas with sensorineural hearing loss. Identifiers: MedGen C1868633.

Allele frequency attached by ClinVar (database versions not stated): gnomAD exomes below 0.00001; ExAC 0.00001; gnomAD 0.00001; TOPMed 0.00003.
gnomAD v4.1: 3 of 1,614,124 alleles (0.00019%); highest among the groups gnomAD compares: East Asian, 0.0022%; no homozygotes.

Submissions (2):

Labcorp Genetics (formerly Invitae), Labcorp
Classification: Uncertain significance for Carney-Stratakis syndrome; Paragangliomas with sensorineural hearing loss; Pheochromocytoma; Cowden syndrome 3. Last evaluated: 2025-07-31. Review status: criteria provided, single submitter. Criteria: Invitae Variant Classification Sherloc (09022015). Collection method: clinical testing. Allele origin: germline.
Comment: This sequence change replaces alanine, which is neutral and non-polar, with serine, which is neutral and polar, at codon 9 of the SDHD protein (p.Ala9Ser). This variant is present in population databases (rs772671893, gnomAD 0.006%). This variant has not been reported in the literature in individuals affected with SDHD-related conditions. ClinVar contains an entry for this variant (Variation ID: 643986). Invitae Evidence Modeling of protein sequence and biophysical properties (such as structural, functional, and spatial information, amino acid conservation, physicochemical variation, residue mobility, and thermodynamic stability) indicates that this missense variant is not expected to disrupt SDHD protein function with a negative predictive value of 95%. In summary, the available evidence is currently insufficient to determine the role of this variant in disease. Therefore, it has been classified as a Variant of Uncertain Significance.

Ambry Genetics
Classification: Uncertain significance for Hereditary cancer-predisposing syndrome. Last evaluated: 2023-10-08. Review status: criteria provided, single submitter. Criteria: Ambry Variant Classification Scheme 2023. Collection method: clinical testing. Allele origin: germline.
Comment: The p.A9S variant (also known as c.25G>T), located in coding exon 1 of the SDHD gene, results from a G to T substitution at nucleotide position 25. The alanine at codon 9 is replaced by serine, an amino acid with similar properties. This amino acid position is conserved. In addition, the in silico prediction for this alteration is inconclusive. Since supporting evidence is limited at this time, the clinical significance of this alteration remains unclear.